The following is an entry in ClinVar:

NM_152618.3(BBS12):c.290G>A (p.Ser97Asn)

Gene: BBS12 (Bardet-Biedl syndrome 12; plus strand). Cytogenetic location: 4q27.
Variant type: single nucleotide variant.
Coding change: c.290G>A on transcript NM_152618.3 (MANE Select); coding-DNA position 290, G replaced by A.
Protein change: p.Ser97Asn; replaces serine 97 with asparagine.
Molecular consequence: missense variant.
Genome position (GRCh38, 1-based): chr4:122,742,182, G>A. VCF-style: chr4-122742182-G-A. GRCh37 (hg19) VCF-style: chr4-123663337-G-A.
Other names: c.290G>A, p.Ser97Asn (NM_001178007.2); short protein forms S97N.
Identifiers: ClinVar variation 3344692 (VCV003344692.1).

ClinVar aggregate classification (germline): Uncertain significance (0 of 4 stars; one submission).

Conditions:
BBS12-related disorder. Also called: BBS12-related condition.

gnomAD v4.1: 7 of 1,613,912 alleles (0.00043%); highest among the groups gnomAD compares: South Asian, 0.0011%; no homozygotes.

Submission:

PreventionGenetics, part of Exact Sciences
Classification: Uncertain significance for BBS12-related condition. Last evaluated: 2024-09-18. Review status: no assertion criteria provided. Collection method: clinical testing. Allele origin: germline.
Comment: The BBS12 c.290G>A variant is predicted to result in the amino acid substitution p.Ser97Asn. To our knowledge, this variant has not been reported in the literature. This variant is reported in 0.00089% of alleles in individuals of European (Non-Finnish) descent in gnomAD. At this time, the clinical significance of this variant is uncertain due to the absence of conclusive functional and genetic evidence.